The following is an entry in ClinVar:

NM_001040142.2(SCN2A):c.4502T>C (p.Met1501Thr)

Gene: SCN2A (sodium voltage-gated channel alpha subunit 2; plus strand). Cytogenetic location: 2q24.3.
Variant type: single nucleotide variant.
Coding change: c.4502T>C on transcript NM_001040142.2 (MANE Select); coding-DNA position 4502, T replaced by C.
Protein change: p.Met1501Thr; replaces methionine 1501 with threonine.
Molecular consequence: missense variant.
Genome position (GRCh38, 1-based): chr2:165,381,148, T>C. VCF-style: chr2-165381148-T-C. GRCh37 (hg19) VCF-style: chr2-166237658-T-C.
Other names: c.4502T>C, p.Met1501Thr (NM_001040143.2, NM_001371246.1, NM_001371247.1 and 1 more transcripts); short protein forms M1501T.
Identifiers: ClinVar variation 533495 (VCV000533495.32), dbSNP rs1553462227, ClinGen allele CA349034763.

ClinVar aggregate classification (germline): Pathogenic/Likely pathogenic. Review status: criteria provided, multiple submitters, no conflicts (2 of 4 stars). 3 submissions from 3 submitters: Pathogenic (1); Likely pathogenic (1). 1 of the submissions does not count toward it. Last evaluated 2024-01-29.

Conditions:
unclassified developmental and epileptic encephalopathy.
Complex neurodevelopmental disorder. Identifiers: Orphanet 528084, MedGen C5568766, MONDO:0100038.
Developmental and epileptic encephalopathy, 11 (DEE11). Also called: Early infantile epileptic encephalopathy 11. Identifiers: Orphanet 1934, MedGen C3150987, MONDO:0013388, OMIM 613721.
Seizures, benign familial infantile, 3 (BFIS3). Also called: CONVULSIONS, BENIGN FAMILIAL INFANTILE, 3; Familial neonatal seizures. Identifiers: Orphanet 140927, Orphanet 306, MedGen C1843140, MONDO:0011904, OMIM 607745.

Submissions (3):

Labcorp Genetics (formerly Invitae), Labcorp
Classification: Pathogenic for Seizures, benign familial infantile, 3; Developmental and epileptic encephalopathy, 11. Last evaluated: 2024-01-29. Review status: criteria provided, single submitter. Criteria: Invitae Variant Classification Sherloc (09022015). Collection method: clinical testing. Allele origin: germline.
Comment: This sequence change replaces methionine, which is neutral and non-polar, with threonine, which is neutral and polar, at codon 1501 of the SCN2A protein (p.Met1501Thr). This variant is not present in population databases (gnomAD no frequency). This missense change has been observed in individual(s) with clinical features of SCN2A-related conditions (Invitae). In at least one individual the variant was observed to be de novo. ClinVar contains an entry for this variant (Variation ID: 533495). Advanced modeling of protein sequence and biophysical properties (such as structural, functional, and spatial information, amino acid conservation, physicochemical variation, residue mobility, and thermodynamic stability) performed at Invitae indicates that this missense variant is expected to disrupt SCN2A protein function with a positive predictive value of 95%. For these reasons, this variant has been classified as Pathogenic.

GeneDx
Classification: Likely pathogenic. Last evaluated: 2022-10-31. Review status: criteria provided, single submitter. Criteria: GeneDx Variant Classification Process June 2021. Collection method: clinical testing. Allele origin: germline. Affected: yes.
Comment: Not observed at significant frequency in large population cohorts (gnomAD); Missense variants in this gene are often considered pathogenic (HGMD); In silico analysis supports that this missense variant has a deleterious effect on protein structure/function; Has not been previously published as pathogenic or benign to our knowledge; This substitution is predicted to be in the cytoplasmic loop between the third and fourth homologous domains

Department of Neurology, Children’s Hospital of Chongqing Medical University
Classification: Likely pathogenic for unclassified developmental and epileptic encephalopathy. Review status: no assertion criteria provided. Criteria: ACMG Guidelines, 2015. Collection method: research. Allele origin: de novo. Affected: yes. Not counted in ClinVar's aggregate classification.